The following is an entry in ClinVar:

NM_004407.4(DMP1):c.1168C>T (p.His390Tyr)

Genes: DMP1-AS1 (DMP1 and DSPP antisense RNA 1; minus strand), DMP1 (dentin matrix acidic phosphoprotein 1; plus strand). Cytogenetic location: 4q22.1.
Variant type: single nucleotide variant.
Coding change: c.1168C>T on transcript NM_004407.4 (MANE Select); coding-DNA position 1168, C replaced by T.
Protein change: p.His390Tyr; replaces histidine 390 with tyrosine.
Molecular consequence: missense variant.
Genome position (GRCh38, 1-based): chr4:87,662,946, C>T. VCF-style: chr4-87662946-C-T. GRCh37 (hg19) VCF-style: chr4-88584098-C-T.
Other names: c.1120C>T, p.His374Tyr (NM_001079911.3); c.1168C>T (NM_004407.3); short protein forms H374Y, H390Y.
Identifiers: ClinVar variation 2181114 (VCV002181114.3), dbSNP rs367663122, ClinGen allele CA3002151.

ClinVar aggregate classification (germline): Uncertain significance. Review status: criteria provided, multiple submitters, no conflicts (2 of 4 stars). 3 submissions from 3 submitters: Uncertain significance (3). Last evaluated 2024-05-17.

Conditions:
Inborn genetic diseases. Identifiers: MedGen C0950123, MeSH D030342.
Hypophosphatemic rickets, autosomal recessive, 1 (ARHR1). Also called: HYPOPHOSPHATEMIA, AUTOSOMAL RECESSIVE. Identifiers: Orphanet 289176, MedGen C4551495, MONDO:0009430, OMIM 241520. Disease mechanism: loss of function.

Allele frequency attached by ClinVar (database versions not stated): gnomAD exomes below 0.00001; ExAC 0.00004; gnomAD 0.00008; TOPMed 0.00009; ESP Exome Variant Server 0.00015.

Submissions (3):

Fulgent Genetics
Classification: Uncertain significance for Hypophosphatemic rickets, autosomal recessive, 1. Last evaluated: 2024-05-17. Review status: criteria provided, single submitter. Criteria: ACMG Guidelines, 2015. Collection method: clinical testing. Allele origin: germline.

Labcorp Genetics (formerly Invitae), Labcorp
Classification: Uncertain significance. Last evaluated: 2022-06-08. Review status: criteria provided, single submitter. Criteria: Invitae Variant Classification Sherloc (09022015). Collection method: clinical testing. Allele origin: germline.
Comment: This sequence change replaces histidine, which is basic and polar, with tyrosine, which is neutral and polar, at codon 390 of the DMP1 protein (p.His390Tyr). The frequency data for this variant in the population databases is considered unreliable, as metrics indicate poor data quality at this position in the gnomAD database. This variant has not been reported in the literature in individuals affected with DMP1-related conditions. Algorithms developed to predict the effect of missense changes on protein structure and function are either unavailable or do not agree on the potential impact of this missense change (SIFT: "Deleterious"; PolyPhen-2: "Possibly Damaging"; Align-GVGD: "Class C0"). In summary, the available evidence is currently insufficient to determine the role of this variant in disease. Therefore, it has been classified as a Variant of Uncertain Significance.

Ambry Genetics
Classification: Uncertain significance for Inborn genetic diseases. Last evaluated: 2021-08-04. Review status: criteria provided, single submitter. Criteria: Ambry Variant Classification Scheme 2023. Collection method: clinical testing. Allele origin: germline.